The following is an entry in ClinVar:

NM_000138.5(FBN1):c.247+3A>G

Gene: FBN1 (fibrillin 1; minus strand). Cytogenetic location: 15q21.1.
Variant type: single nucleotide variant.
Coding change: c.247+3A>G on transcript NM_000138.5 (MANE Select); 3 bases into the intron after coding-DNA position 247, A replaced by G.
Molecular consequence: intron variant.
Genome position (GRCh38, 1-based): chr15:48,613,007, T>C on the plus strand (A>G on the coding strand, the complement: FBN1 is on the minus strand). VCF-style: chr15-48613007-T-C. GRCh37 (hg19) VCF-style: chr15-48905204-T-C.
Identifiers: ClinVar variation 928392 (VCV000928392.8), dbSNP rs201854371, ClinGen allele CA047706.

ClinVar aggregate classification (germline): Uncertain significance. Review status: criteria provided, multiple submitters, no conflicts (2 of 4 stars). 3 submissions from 3 submitters: Uncertain significance (3). Last evaluated 2023-08-24.

Conditions:
Familial thoracic aortic aneurysm and aortic dissection (TAAD). Also called: Thoracic aortic aneurysms and dissections. Identifiers: Orphanet 91387, MedGen C4707243, MONDO:0019625.

Allele frequency attached by ClinVar (database versions not stated): gnomAD exomes below 0.00001 and 0.00001; gnomAD 0.00001; ExAC 0.00002; 1000 Genomes Project 0.00040; 1000 Genomes Project 30x 0.00047.
gnomAD v4.1: 5 of 1,608,948 alleles (0.00031%); highest among the groups gnomAD compares: Admixed American, 0.0033%; no homozygotes.

Submissions (3):

Color Diagnostics, LLC DBA Color Health
Classification: Uncertain significance for Familial thoracic aortic aneurysm and aortic dissection. Last evaluated: 2023-08-24. Review status: criteria provided, single submitter. Criteria: ACMG Guidelines, 2015. Collection method: clinical testing. Allele origin: germline.
Comment: This variant causes an A to G nucleotide substitution at the +3 position of intron 3 of the FBN1 gene. To our knowledge, functional studies have not been reported for this variant. This variant has not been reported in individuals affected with FBN1-related disorders in the literature. This variant has been identified in 2/248874 chromosomes in the general population by the Genome Aggregation Database (gnomAD). The available evidence is insufficient to determine the role of this variant in disease conclusively. Therefore, this variant is classified as a Variant of Uncertain Significance.

Blueprint Genetics
Classification: Uncertain significance. Last evaluated: 2022-08-08. Review status: criteria provided, single submitter. Criteria: ACMG Guidelines, 2015. Collection method: clinical testing. Allele origin: germline.

GeneDx
Classification: Uncertain significance. Last evaluated: 2021-06-26. Review status: criteria provided, single submitter. Criteria: GeneDx Variant Classification Process June 2021. Collection method: clinical testing. Allele origin: germline. Affected: yes.
Comment: Has not been previously published as pathogenic or benign to our knowledge; Not observed at significant frequency in large population cohorts (Lek et al., 2016); In-silico analysis is inconclusive as to whether the variant alters gene splicing. In the absence of RNA/functional studies, the actual effect of this sequence change is unknown.; Reported in ClinVar as a variant of uncertain significance (ClinVar Variant ID# 928392; Landrum et al., 2016); This variant is associated with the following publications: (PMID: 27535533)